The following is an entry in ClinVar:

ClinVar aggregate classification (germline): Uncertain significance (1 of 4 stars; one submission).

Conditions:
FGA-related disorder. Also called: FGA-related disorders; FGA-related condition.

Submission:

PreventionGenetics, part of Exact Sciences
Classification: Uncertain significance for FGA-related condition. Last evaluated: 2025-10-16. Review status: criteria provided, single submitter. Criteria: ACMG Guidelines, 2015. Collection method: clinical testing. Allele origin: germline.
Comment: The FGA c.550T>C variant is predicted to result in the amino acid substitution p.Cys184Arg. This variant was reported in an individual with dysfibrinogenaemia (Casini et al. 2015. PubMed ID: 25320241). This variant has not been reported in a large population database (gnomAD), indicating this variant is rare. An alternate missense change at the same amino acid position (p.Cys184Trp) has been reported in an individual affected with FGA-related disorders (Asselta et al. 2015. PubMed ID: 25427968). Although we suspect that this variant may be pathogenic, at this time, the clinical significance of this variant is uncertain due to the absence of conclusive functional and genetic evidence.

NM_021871.4(FGA):c.550T>C (p.Cys184Arg)

Gene: FGA (fibrinogen alpha chain; minus strand). Cytogenetic location: 4q31.3.
Variant type: single nucleotide variant.
Coding change: c.550T>C on transcript NM_021871.4 (MANE Select); coding-DNA position 550, T replaced by C.
Protein change: p.Cys184Arg; replaces cysteine 184 with arginine.
Molecular consequence: missense variant.
Genome position (GRCh38, 1-based): chr4:154,586,879, A>G on the plus strand (T>C on the coding strand, the complement: FGA is on the minus strand). VCF-style: chr4-154586879-A-G. GRCh37 (hg19) VCF-style: chr4-155508031-A-G.
Other names: c.550T>C, p.Cys184Arg (NM_000508.5); short protein forms C184R.
Identifiers: ClinVar variation 4996332 (VCV004996332.1).